The following is an entry in ClinVar:

NM_014956.5(CEP164):c.3609+2_3609+5dup

Gene: CEP164 (centrosomal protein 164; plus strand). Cytogenetic location: 11q23.3.
Variant type: Duplication.
Coding change: c.3609+2_3609+5dup on transcript NM_014956.5 (MANE Select); the canonical splice donor site of the intron after coding-DNA position 3609 through 5 bases into the intron after coding-DNA position 3609, 4 bases duplicated (TGCA; older notation c.3609+2_3609+5dupTGCA).
Molecular consequence: splice donor variant.
Genome position (GRCh38, 1-based): chr11:117,408,034-117,408,037, TGCA duplicated. VCF-style (leftmost placement, unchanged base first): chr11-117408033-G-GTGCA. GRCh37 (hg19) VCF-style: chr11-117278749-G-GTGCA.
Other names: c.3618+2_3618+5dup (NM_001271933.2).
Identifiers: ClinVar variation 2009544 (VCV002009544.2), dbSNP rs2542636769, ClinGen allele CA2580083530.

ClinVar aggregate classification (germline): Uncertain significance (1 of 4 stars; one submission).

Conditions:
Nephronophthisis 15 (NPHP15). Identifiers: Orphanet 3156, MedGen C3541853, MONDO:0013917, OMIM 614845.

Submission:

Labcorp Genetics (formerly Invitae), Labcorp
Classification: Uncertain significance for Nephronophthisis 15. Last evaluated: 2022-10-03. Review status: criteria provided, single submitter. Criteria: Invitae Variant Classification Sherloc (09022015). Collection method: clinical testing. Allele origin: germline.
Comment: Variants that disrupt the consensus splice site are a relatively common cause of aberrant splicing (PMID: 17576681, 9536098). Algorithms developed to predict the effect of sequence changes on RNA splicing suggest that this variant may disrupt the consensus splice site. This variant has not been reported in the literature in individuals affected with CEP164-related conditions. This variant is not present in population databases (gnomAD no frequency). This sequence change falls in intron 28 of the CEP164 gene. It does not directly change the encoded amino acid sequence of the CEP164 protein. It affects a nucleotide within the consensus splice site. In summary, the available evidence is currently insufficient to determine the role of this variant in disease. Therefore, it has been classified as a Variant of Uncertain Significance.

Literature cited by the submitters: PubMed 17576681; PubMed 9536098.